The following is an entry in ClinVar:

ClinVar aggregate classification (germline): Likely pathogenic (1 of 4 stars; one submission).

Conditions:
Vitamin D-dependent rickets type II with alopecia (VDDR2A). Also called: GENERALIZED RESISTANCE TO 1,25-DIHYDROXYVITAMIN D; HYPOCALCEMIC VITAMIN D-RESISTANT RICKETS; PDDR IIA; PSEUDOVITAMIN D-DEFICIENCY, TYPE IIA; RICKETS, HEREDITARY VITAMIN D-RESISTANT; RICKETS-ALOPECIA SYNDROME. Identifiers: Orphanet 93160, MedGen C0342646, MONDO:0010186, OMIM 277440.

Submission:

Dr. Oladnabi Research Group, Golestan University of Medical Sciences
Classification: Likely pathogenic for Vitamin D-dependent rickets type II with alopecia. Review status: criteria provided, single submitter. Criteria: ACMG Guidelines, 2015. Collection method: research. Allele origin: germline. Inheritance: Autosomal recessive inheritance. Affected: yes. Observed: 1 homozygote.
Comment: The novel VDR variant (c.379G>T; p.Glu127Ter) introduces a premature stop codon at amino acid position 127, leading to early termination of translation. This change is predicted to result in either nonsense-mediated mRNA decay or the production of a truncated, nonfunctional vitamin D receptor protein. According to the ACMG guidelines, the variant is classified as likely pathogenic, supported by PVS1 (Very Strong)—as it is a null (nonsense) mutation in VDR, a gene in which loss of function is a well-established mechanism of disease—and PM2 (Moderate)—as the variant is extremely rare and absent from large population databases such as gnomAD.

Literature cited by the submitters: NCBI Bookshelf NBK562285.

NM_000376.3(VDR):c.379G>T (p.Glu127Ter)

Gene: VDR (vitamin D receptor; minus strand). Cytogenetic location: 12q13.11.
Variant type: single nucleotide variant.
Coding change: c.379G>T on transcript NM_000376.3 (MANE Select); coding-DNA position 379, G replaced by T.
Protein change: p.Glu127Ter; replaces glutamic acid 127 with a stop codon.
Molecular consequence: nonsense.
Genome position (GRCh38, 1-based): chr12:47,857,587, C>A on the plus strand (G>T on the coding strand, the complement: VDR is on the minus strand). VCF-style: chr12-47857587-C-A. GRCh37 (hg19) VCF-style: chr12-48251370-C-A.
Other names: c.379G>T, p.Glu127Ter (NM_001017535.2, NM_001364085.2, NM_001374661.1 and 1 more transcripts); c.529G>T, p.Glu177Ter (NM_001017536.2); short protein forms E127*, E177*.
Identifiers: ClinVar variation 4072360 (VCV004072360.1).